The following is an entry in ClinVar:

NM_000135.4(FANCA):c.562C>T (p.Gln188Ter)

Gene: FANCA (FA complementation group A; minus strand). Cytogenetic location: 16q24.3.
Variant type: single nucleotide variant.
Coding change: c.562C>T on transcript NM_000135.4 (MANE Select); coding-DNA position 562, C replaced by T.
Protein change: p.Gln188Ter; replaces glutamine 188 with a stop codon.
Molecular consequence: nonsense.
Genome position (GRCh38, 1-based): chr16:89,808,328, G>A on the plus strand (C>T on the coding strand, the complement: FANCA is on the minus strand). VCF-style: chr16-89808328-G-A. GRCh37 (hg19) VCF-style: chr16-89874736-G-A.
Other names: c.562C>T, p.Gln188Ter (NM_001018112.3, NM_001286167.3); c.466C>T, p.Gln156Ter (NM_001351830.2); short protein forms Q188*, Q156*.
Identifiers: ClinVar variation 1387707 (VCV001387707.7), dbSNP rs776471397, ClinGen allele CA397479274.

ClinVar aggregate classification (germline): Pathogenic/Likely pathogenic. Review status: criteria provided, multiple submitters, no conflicts (2 of 4 stars). 2 submissions from 2 submitters: Pathogenic (1); Likely pathogenic (1). Last evaluated 2026-01-02.

Conditions:
Fanconi anemia (FA). Also called: Fanconi's anemia. Identifiers: Orphanet 84, MedGen C0015625, MeSH D005199, MONDO:0019391.

Submissions (2):

Dasa
Classification: Likely pathogenic. Last evaluated: 2026-01-02. Review status: criteria provided, single submitter. Criteria: DASA Assertion Criteria. Collection method: clinical testing. Allele origin: germline.
Comment: NM_000135.4(FANCA):c.562C>T (p.Gln188*) introduces a premature termination codon predicted to result in loss of normal protein function. Loss-of-function is an established mechanism of disease for this gene. The variant is present at low frequency in population datasets. Based on the available data, this variant is classified as likely pathogenic.

Labcorp Genetics (formerly Invitae), Labcorp
Classification: Pathogenic for Fanconi anemia. Last evaluated: 2021-11-27. Review status: criteria provided, single submitter. Criteria: Invitae Variant Classification Sherloc (09022015). Collection method: clinical testing. Allele origin: germline.
Comment: For these reasons, this variant has been classified as Pathogenic. This variant has not been reported in the literature in individuals affected with FANCA-related conditions. This variant is not present in population databases (gnomAD no frequency). This sequence change creates a premature translational stop signal (p.Gln188*) in the FANCA gene. It is expected to result in an absent or disrupted protein product. Loss-of-function variants in FANCA are known to be pathogenic (PMID: 19367192).

Literature cited by the submitters: PubMed 19367192 (cited by Labcorp Genetics (formerly Invitae), Labcorp).